The following is an entry in ClinVar:

NM_001161352.2(KCNMA1):c.2791A>G (p.Asn931Asp)

Genes: KCNMA1 (potassium calcium-activated channel subfamily M alpha 1; minus strand), KCNMA1-AS1 (KCNMA1 antisense RNA 1; plus strand). Cytogenetic location: 10q22.3.
Variant type: single nucleotide variant.
Coding change: c.2791A>G on transcript NM_001161352.2 (MANE Select); coding-DNA position 2791, A replaced by G.
Protein change: p.Asn931Asp; replaces asparagine 931 with aspartic acid.
Molecular consequence: missense variant.
Genome position (GRCh38, 1-based): chr10:76,944,884, T>C on the plus strand (A>G on the coding strand, the complement: KCNMA1 is on the minus strand). VCF-style: chr10-76944884-T-C. GRCh37 (hg19) VCF-style: chr10-78704642-T-C.
Other names: c.2629A>G, p.Asn877Asp (NM_001014797.3, NM_001322835.2, NM_001322837.2); c.2740A>G, p.Asn914Asp (NM_001161353.2); c.2467A>G, p.Asn823Asp (NM_001271518.2); c.2626A>G, p.Asn876Asp (NM_001271519.2, NM_001322829.2, NM_001322836.2); c.2638A>G, p.Asn880Asp (NM_001322830.2); c.2617A>G, p.Asn873Asp (NM_001322832.2, NM_001410940.1, NM_002247.4); c.2164A>G, p.Asn722Asp (NM_001322838.2); c.2617A>G (NM_002247.3); short protein forms N876D, N880D, N914D, N722D, N823D, N873D, N931D, N877D.
Identifiers: ClinVar variation 2796270 (VCV002796270.4), dbSNP rs2549939378, ClinGen allele CA377405533.

ClinVar aggregate classification (germline): Uncertain significance. Review status: criteria provided, multiple submitters, no conflicts (2 of 4 stars). 2 submissions from 2 submitters: Uncertain significance (2). Last evaluated 2026-04-17.

Conditions:
Generalized epilepsy-paroxysmal dyskinesia syndrome (PNKD3). Also called: Generalized epilepsy and paroxysmal dyskinesia; Paroxysmal nonkinesigenic dyskinesia, 3, with or without generalized epilepsy. Identifiers: Orphanet 79137, MedGen C5574945, MONDO:0012276, OMIM 609446.

Submissions (2):

GeneDx
Classification: Uncertain significance. Last evaluated: 2026-04-17. Review status: criteria provided, single submitter. Criteria: GeneDx Variant Classification Process June 2021. Collection method: clinical testing. Allele origin: germline.
Comment: Not observed at significant frequency in large population cohorts (gnomAD); In silico analysis suggests that this missense variant does not alter protein structure/function; Has not been previously published as pathogenic or benign to our knowledge

Labcorp Genetics (formerly Invitae), Labcorp
Classification: Uncertain significance for Generalized epilepsy-paroxysmal dyskinesia syndrome. Last evaluated: 2025-05-07. Review status: criteria provided, single submitter. Criteria: Invitae Variant Classification Sherloc (09022015). Collection method: clinical testing. Allele origin: germline.
Comment: This sequence change replaces asparagine, which is neutral and polar, with aspartic acid, which is acidic and polar, at codon 873 of the KCNMA1 protein (p.Asn873Asp). This variant is not present in population databases (gnomAD no frequency). This variant has not been reported in the literature in individuals affected with KCNMA1-related conditions. ClinVar contains an entry for this variant (Variation ID: 2796270). Invitae Evidence Modeling of protein sequence and biophysical properties (such as structural, functional, and spatial information, amino acid conservation, physicochemical variation, residue mobility, and thermodynamic stability) indicates that this missense variant is not expected to disrupt KCNMA1 protein function with a negative predictive value of 80%. In summary, the available evidence is currently insufficient to determine the role of this variant in disease. Therefore, it has been classified as a Variant of Uncertain Significance.